The following is an entry in ClinVar:

NM_002755.4(MAP2K1):c.1007A>G (p.Asp336Gly)

Gene: MAP2K1 (mitogen-activated protein kinase kinase 1; plus strand). Cytogenetic location: 15q22.31.
Variant type: single nucleotide variant.
Coding change: c.1007A>G on transcript NM_002755.4 (MANE Select); coding-DNA position 1007, A replaced by G.
Protein change: p.Asp336Gly; replaces aspartic acid 336 with glycine.
Molecular consequence: missense variant.
Genome position (GRCh38, 1-based): chr15:66,489,261, A>G. VCF-style: chr15-66489261-A-G. GRCh37 (hg19) VCF-style: chr15-66781599-A-G.
Other names: c.863A>G, p.Asp288Gly (NM_001411065.1); short protein forms D288G, D336G.
Identifiers: ClinVar variation 4976611 (VCV004976611.1).
Genomic context (GRCh38, chr15:66,489,261, plus strand): 5'-ACATGTGTTTGCAGCCTCCTCCAAAACTGCCCAGTGGAGTGTTCAGTCTGGAATTTCAAG[A>G]TTTTGTGAATAAATGGTAAGTTGGCTCCTTGTTCTCTGGAAGCGTATACTCTGGATTTGT-3'
Protein context (NP_002746.1, residues 326-346): PSGVFSLEFQ[Asp336Gly]FVNKCLIKNP

ClinVar aggregate classification (germline): Uncertain significance (1 of 4 stars; one submission).

Submission:

GeneDx
Classification: Uncertain significance. Last evaluated: 2026-03-19. Review status: criteria provided, single submitter. Criteria: GeneDx Variant Classification Process June 2021. Collection method: clinical testing. Allele origin: germline.
Comment: Not observed at significant frequency in large population cohorts (gnomAD); Missense variants in this gene are a common cause of disease and they are underrepresented in the general population; In silico analysis supports that this missense variant has a deleterious effect on protein structure/function; Has not been previously published as pathogenic or benign to our knowledge